The following is an entry in ClinVar:

NM_000368.5(TSC1):c.2402A>G (p.Glu801Gly)

Gene: TSC1 (TSC complex subunit 1; minus strand). Cytogenetic location: 9q34.13.
Variant type: single nucleotide variant.
Coding change: c.2402A>G on transcript NM_000368.5 (MANE Select); coding-DNA position 2402, A replaced by G.
Protein change: p.Glu801Gly; replaces glutamic acid 801 with glycine.
Molecular consequence: missense variant.
Genome position (GRCh38, 1-based): chr9:132,901,689, T>C on the plus strand (A>G on the coding strand, the complement: TSC1 is on the minus strand). VCF-style: chr9-132901689-T-C. GRCh37 (hg19) VCF-style: chr9-135777076-T-C.
Other names: c.2399A>G, p.Glu800Gly (NM_001162426.2, NM_001406597.1, NM_001406598.1 and 4 more transcripts); c.2249A>G, p.Glu750Gly (NM_001162427.2, NM_001406610.1); c.2039A>G, p.Glu680Gly (NM_001362177.2, NM_001406614.1, NM_001406615.1 and 5 more transcripts); c.2402A>G, p.Glu801Gly (NM_001406592.1, NM_001406593.1, NM_001406594.1 and 5 more transcripts); c.2387A>G, p.Glu796Gly (NM_001406601.1, NM_001406602.1); c.2384A>G, p.Glu795Gly (NM_001406603.1, NM_001406604.1); c.2246A>G, p.Glu749Gly (NM_001406611.1, NM_001406612.1, NM_001406613.1); c.2036A>G, p.Glu679Gly (NM_001406620.1, NM_001406621.1, NM_001406622.1 and 2 more transcripts); and 3 more; short protein forms E483G, E749G, E795G, E801G, E750G, E796G, E800G, E450G.
Identifiers: ClinVar variation 2037192 (VCV002037192.6), dbSNP rs1295965297, ClinGen allele CA375358777.

ClinVar aggregate classification (germline): Uncertain significance. Review status: criteria provided, multiple submitters, no conflicts (2 of 4 stars). 3 submissions from 3 submitters: Uncertain significance (3). Last evaluated 2024-09-23.

Conditions:
Tuberous sclerosis 1 (TSC1). Identifiers: Orphanet 805, MedGen C1854465, MONDO:0008612, OMIM 191100.
Tuberous sclerosis syndrome (TSC). Also called: Tuberous Sclerosis Complex; Tuberous sclerosis. Identifiers: Orphanet 805, MedGen C0041341, MONDO:0001734.

Allele frequency attached by ClinVar (database versions not stated): TOPMed 0.00001.

Submissions (3):

All of Us Research Program, National Institutes of Health
Classification: Uncertain significance for Tuberous sclerosis syndrome. Last evaluated: 2024-09-23. Review status: criteria provided, single submitter. Criteria: ACMG Guidelines, 2015. Collection method: clinical testing. Allele origin: germline. Inheritance: Autosomal dominant inheritance. Observed: 1 variant allele, 1 heterozygote.
Comment: This study involves interpretation of variants in research participants for the purpose of population health screening. Participant phenotype was not available at the time of variant classification. Additional details can be found in publication PMID: 35346344, PMCID: PMC8962531

Labcorp Genetics (formerly Invitae), Labcorp
Classification: Uncertain significance for Tuberous sclerosis 1. Last evaluated: 2022-11-22. Review status: criteria provided, single submitter. Criteria: Invitae Variant Classification Sherloc (09022015). Collection method: clinical testing. Allele origin: germline.
Comment: In summary, the available evidence is currently insufficient to determine the role of this variant in disease. Therefore, it has been classified as a Variant of Uncertain Significance. Advanced modeling of protein sequence and biophysical properties (such as structural, functional, and spatial information, amino acid conservation, physicochemical variation, residue mobility, and thermodynamic stability) performed at Invitae indicates that this missense variant is not expected to disrupt TSC1 protein function. This variant has not been reported in the literature in individuals affected with TSC1-related conditions. This variant is not present in population databases (gnomAD no frequency). This sequence change replaces glutamic acid, which is acidic and polar, with glycine, which is neutral and non-polar, at codon 801 of the TSC1 protein (p.Glu801Gly).

Blueprint Genetics
Classification: Uncertain significance. Last evaluated: 2020-07-13. Review status: criteria provided, single submitter. Criteria: ACMG Guidelines, 2015. Collection method: clinical testing. Allele origin: germline.